The following is an entry in ClinVar:

ClinVar aggregate classification (germline): Likely benign. Review status: criteria provided, multiple submitters, no conflicts (2 of 4 stars). 2 submissions from 2 submitters: Likely benign (2). Last evaluated 2025-03-31.

Allele frequency attached by ClinVar (database versions not stated): gnomAD 0.00007; TOPMed 0.00007; ExAC 0.00015; 1000 Genomes Project 0.00020; 1000 Genomes Project 30x 0.00031.
gnomAD v4.1: 201 of 1,560,176 alleles (0.013%); highest among the groups gnomAD compares: Admixed American, 0.017%; no homozygotes.

Submissions (2):

Labcorp Genetics (formerly Invitae), Labcorp
Classification: Likely benign. Last evaluated: 2025-03-31. Review status: criteria provided, single submitter. Criteria: Invitae Variant Classification Sherloc (09022015). Collection method: clinical testing. Allele origin: germline.

CeGaT Center for Human Genetics Tuebingen
Classification: Likely benign. Last evaluated: 2024-06-01. Review status: criteria provided, single submitter. Criteria: CeGaT Center For Human Genetics Tuebingen Variant Classification Criteria Version 2. Collection method: clinical testing. Allele origin: germline. Affected: yes. Observed: 1 variant allele.
Comment: CNOT3: BP4, BP7

NM_014516.4(CNOT3):c.1275C>T (p.Gly425=)

Gene: CNOT3 (CCR4-NOT transcription complex subunit 3; plus strand). Cytogenetic location: 19q13.42.
Variant type: single nucleotide variant.
Coding change: c.1275C>T on transcript NM_014516.4 (MANE Select); coding-DNA position 1275, C replaced by T.
Protein change: p.Gly425=; no amino-acid change (glycine 425 retained).
Molecular consequence: synonymous variant.
Genome position (GRCh38, 1-based): chr19:54,148,528, C>T. VCF-style: chr19-54148528-C-T. GRCh37 (hg19) VCF-style: chr19-54652263-C-T.
Identifiers: ClinVar variation 1971439 (VCV001971439.23), dbSNP rs587692629, ClinGen allele CA309339684.